The following is an entry in ClinVar:

ClinVar aggregate classification (germline): Uncertain significance (1 of 4 stars; one submission).

Allele frequency attached by ClinVar (database versions not stated): ExAC 0.00001; TOPMed 0.00001.
gnomAD v4.1: 16 of 1,611,102 alleles (0.00099%); highest among the groups gnomAD compares: Non-Finnish European, 0.0012%; no homozygotes.

Submission:

Labcorp Genetics (formerly Invitae), Labcorp
Classification: Uncertain significance. Last evaluated: 2025-03-25. Review status: criteria provided, single submitter. Criteria: Invitae Variant Classification Sherloc (09022015). Collection method: clinical testing. Allele origin: germline.
Comment: This sequence change replaces threonine, which is neutral and polar, with isoleucine, which is neutral and non-polar, at codon 16 of the PSMG2 protein (p.Thr16Ile). This variant is present in population databases (rs768143998, gnomAD 0.002%). This variant has not been reported in the literature in individuals affected with PSMG2-related conditions. ClinVar contains an entry for this variant (Variation ID: 1917338). An algorithm developed to predict the effect of missense changes on protein structure and function (PolyPhen-2) suggests that this variant is likely to be tolerated. In summary, the available evidence is currently insufficient to determine the role of this variant in disease. Therefore, it has been classified as a Variant of Uncertain Significance.

NM_020232.5(PSMG2):c.47C>T (p.Thr16Ile)

Gene: PSMG2 (proteasome assembly chaperone 2; plus strand). Cytogenetic location: 18p11.21.
Variant type: single nucleotide variant.
Coding change: c.47C>T on transcript NM_020232.5 (MANE Select); coding-DNA position 47, C replaced by T.
Protein change: p.Thr16Ile; replaces threonine 16 with isoleucine.
Molecular consequence: missense variant. On other transcripts: intron variant (1).
Genome position (GRCh38, 1-based): chr18:12,703,154, C>T. VCF-style: chr18-12703154-C-T. GRCh37 (hg19) VCF-style: chr18-12703153-C-T.
Other names: c.-36-3396C>T (NM_147163.2); short protein forms T16I.
Identifiers: ClinVar variation 1917338 (VCV001917338.5), dbSNP rs768143998, ClinGen allele CA8898275.